The following is an entry in ClinVar:

ClinVar aggregate classification (germline): Uncertain significance (1 of 4 stars; one submission).

Conditions:
Autoimmune lymphoproliferative syndrome type 1. Also called: AUTOIMMUNE LYMPHOPROLIFERATIVE SYNDROME, TYPE I, AUTOSOMAL DOMINANT. Identifiers: Orphanet 3261, MedGen C2717884, MONDO:0011158, OMIM 601859.

gnomAD v4.1: 1 of 1,614,022 alleles (0.000062%); highest among the groups gnomAD compares: Non-Finnish European, 0.000085%; no homozygotes.

Submission:

Labcorp Genetics (formerly Invitae), Labcorp
Classification: Uncertain significance for Autoimmune lymphoproliferative syndrome. Last evaluated: 2024-02-23. Review status: criteria provided, single submitter. Criteria: Invitae Variant Classification Sherloc (09022015). Collection method: clinical testing. Allele origin: germline.
Comment: This sequence change replaces glutamine, which is neutral and polar, with histidine, which is basic and polar, at codon 123 of the FAS protein (p.Gln123His). This variant is not present in population databases (gnomAD no frequency). This variant has not been reported in the literature in individuals affected with FAS-related conditions. Advanced modeling of protein sequence and biophysical properties (such as structural, functional, and spatial information, amino acid conservation, physicochemical variation, residue mobility, and thermodynamic stability) has been performed at Invitae for this missense variant, however the output from this modeling did not meet the statistical confidence thresholds required to predict the impact of this variant on FAS protein function. In summary, the available evidence is currently insufficient to determine the role of this variant in disease. Therefore, it has been classified as a Variant of Uncertain Significance.

NM_000043.6(FAS):c.369G>C (p.Gln123His)

Gene: FAS (Fas cell surface death receptor; plus strand). Cytogenetic location: 10q23.31.
Variant type: single nucleotide variant.
Coding change: c.369G>C on transcript NM_000043.6 (MANE Select); coding-DNA position 369, G replaced by C.
Protein change: p.Gln123His; replaces glutamine 123 with histidine.
Molecular consequence: missense variant. On other transcripts: non-coding transcript variant (1).
Genome position (GRCh38, 1-based): chr10:89,008,923, G>C. VCF-style: chr10-89008923-G-C. GRCh37 (hg19) VCF-style: chr10-90768680-G-C.
Other names: c.369G>C, p.Gln123His (NM_152871.4, NM_152872.4, NM_001320619.2); c.414G>C, p.Gln138His (NM_001410956.1); short protein forms Q123H, Q138H.
Identifiers: ClinVar variation 3641790 (VCV003641790.2).